The following is an entry in ClinVar:

ClinVar aggregate classification (germline): Likely benign (1 of 4 stars; one submission).

gnomAD v4.1: 2,068 of 1,614,042 alleles (0.13%); highest among the groups gnomAD compares: Non-Finnish European, 0.14%; 4 homozygotes.

Submission:

CeGaT Center for Human Genetics Tuebingen
Classification: Likely benign. Last evaluated: 2025-07-01. Review status: criteria provided, single submitter. Criteria: CeGaT Center For Human Genetics Tuebingen Variant Classification Criteria Version 2. Collection method: clinical testing. Allele origin: germline. Affected: yes. Observed: 1 variant allele.
Comment: MIA3: BP4

NM_198551.4(MIA3):c.2260T>A (p.Phe754Ile)

Gene: MIA3 (MIA SH3 domain ER export factor 3; plus strand). Cytogenetic location: 1q41.
Variant type: single nucleotide variant.
Coding change: c.2260T>A on transcript NM_198551.4 (MANE Select); coding-DNA position 2260, T replaced by A.
Protein change: p.Phe754Ile; replaces phenylalanine 754 with isoleucine.
Molecular consequence: missense variant.
Genome position (GRCh38, 1-based): chr1:222,629,480, T>A. VCF-style: chr1-222629480-T-A. GRCh37 (hg19) VCF-style: chr1-222802822-T-A.
Other names: c.2260T>A, p.Phe754Ile (NM_001324062.2, NM_001324063.2); c.1768T>A, p.Phe590Ile (NM_001324064.2); short protein forms F590I, F754I.
Identifiers: ClinVar variation 4083778 (VCV004083778.8).
Genomic context (GRCh38, chr1:222,629,480, plus strand): 5'-GAAAACGCTATAAATGCAAAACGGTCTAAAGAAAAAAACCCTGGGAATCAGGGCAGGCAG[T>A]TTGATGTTAATCTGCAAGTCCCTGACAGAGCAGTTTTAGGGACCATTCATCCAGATCCAG-3'
Protein context (NP_940953.2, residues 744-764): EKNPGNQGRQ[Phe754Ile]DVNLQVPDRA